The following is an entry in ClinVar:

NM_016333.4(SRRM2):c.7640C>T (p.Ser2547Leu)

Gene: SRRM2 (serine/arginine repetitive matrix 2; plus strand). Cytogenetic location: 16p13.3.
Variant type: single nucleotide variant.
Coding change: c.7640C>T on transcript NM_016333.4 (MANE Select); coding-DNA position 7640, C replaced by T.
Protein change: p.Ser2547Leu; replaces serine 2547 with leucine.
Molecular consequence: missense variant.
Genome position (GRCh38, 1-based): chr16:2,768,168, C>T. VCF-style: chr16-2768168-C-T. GRCh37 (hg19) VCF-style: chr16-2818169-C-T.
Other names: short protein forms S2547L.
Identifiers: ClinVar variation 4821724 (VCV004821724.4).
Genomic context (GRCh38, chr16:2,768,168, plus strand): 5'-CAAAGGAGCGGCGGAGTTCCTCCTCGTCGTCGTCGTCCTCTAGCTCCTCCTCTTCTTCAT[C>T]ATCGTCGTCGTCGTCCTCCTCCTCCTCTGGCTCCAGTTCTAGTGACTCAGAGGGCTCTAG-3'
Protein context (NP_057417.3, residues 2537-2557): SSSSSSSSSS[Ser2547Leu]SSSSSSSSSG

ClinVar aggregate classification (germline): Likely benign (1 of 4 stars; one submission).

gnomAD v4.1: 17 of 1,613,108 alleles (0.0011%); highest among the groups gnomAD compares: Admixed American, 0.023%; no homozygotes.

Submission:

CeGaT Center for Human Genetics Tuebingen
Classification: Likely benign. Last evaluated: 2026-01-01. Review status: criteria provided, single submitter. Criteria: CeGaT Center For Human Genetics Tuebingen Variant Classification Criteria Version 2. Collection method: clinical testing. Allele origin: germline. Affected: yes. Observed: 1 variant allele.
Comment: SRRM2: BP1